The following is an entry in ClinVar:

ClinVar aggregate classification (germline): Uncertain significance (1 of 4 stars; one submission).

Allele frequency attached by ClinVar (database versions not stated): TOPMed below 0.00001.

Submission:

Labcorp Genetics (formerly Invitae), Labcorp
Classification: Uncertain significance. Last evaluated: 2022-11-08. Review status: criteria provided, single submitter. Criteria: Invitae Variant Classification Sherloc (09022015). Collection method: clinical testing. Allele origin: germline.
Comment: ClinVar contains an entry for this variant (Variation ID: 1446751). This sequence change replaces tyrosine, which is neutral and polar, with histidine, which is basic and polar, at codon 212 of the COQ7 protein (p.Tyr212His). This variant is not present in population databases (gnomAD no frequency). This variant has not been reported in the literature in individuals affected with COQ7-related conditions. Algorithms developed to predict the effect of missense changes on protein structure and function are either unavailable or do not agree on the potential impact of this missense change (SIFT: "Tolerated"; PolyPhen-2: "Possibly Damaging"; Align-GVGD: "Class C0"). In summary, the available evidence is currently insufficient to determine the role of this variant in disease. Therefore, it has been classified as a Variant of Uncertain Significance.

NM_016138.5(COQ7):c.634T>C (p.Tyr212His)

Gene: COQ7 (coenzyme Q7, hydroxylase; plus strand). Cytogenetic location: 16p12.3.
Variant type: single nucleotide variant.
Coding change: c.634T>C on transcript NM_016138.5 (MANE Select); coding-DNA position 634, T replaced by C.
Protein change: p.Tyr212His; replaces tyrosine 212 with histidine.
Molecular consequence: missense variant. On other transcripts: non-coding transcript variant (3).
Genome position (GRCh38, 1-based): chr16:19,078,138, T>C. VCF-style: chr16-19078138-T-C. GRCh37 (hg19) VCF-style: chr16-19089460-T-C.
Other names: c.520T>C, p.Tyr174His (NM_001190983.2, NM_001370492.1, NM_001370493.1 and 1 more transcripts); c.592T>C, p.Tyr198His (NM_001370489.1); c.565T>C, p.Tyr189His (NM_001370490.1); c.523T>C, p.Tyr175His (NM_001370491.1); c.451T>C, p.Tyr151His (NM_001370495.1); short protein forms Y151H, Y189H, Y175H, Y198H, Y212H, Y174H.
Identifiers: ClinVar variation 1446751 (VCV001446751.7), dbSNP rs1185742421, ClinGen allele CA394925801.